The following is an entry in ClinVar:

ClinVar aggregate classification (germline): Uncertain significance (1 of 4 stars; one submission).

Conditions:
Left ventricular noncompaction 1 (LVNC1). Also called: LEFT VENTRICULAR NONCOMPACTION 1 WITH OR WITHOUT CONGENITAL HEART DEFECTS. Identifiers: Orphanet 54260, MedGen C1858725, MONDO:0011403, OMIM 604169.

Submission:

Labcorp Genetics (formerly Invitae), Labcorp
Classification: Uncertain significance for Left ventricular noncompaction 1. Last evaluated: 2024-07-21. Review status: criteria provided, single submitter. Criteria: Invitae Variant Classification Sherloc (09022015). Collection method: clinical testing. Allele origin: germline.
Comment: This sequence change replaces leucine, which is neutral and non-polar, with serine, which is neutral and polar, at codon 316 of the DTNA protein (p.Leu316Ser). This variant is not present in population databases (gnomAD no frequency). This variant has not been reported in the literature in individuals affected with DTNA-related conditions. Advanced modeling of protein sequence and biophysical properties (such as structural, functional, and spatial information, amino acid conservation, physicochemical variation, residue mobility, and thermodynamic stability) performed at Invitae indicates that this missense variant is not expected to disrupt DTNA protein function with a negative predictive value of 80%. In summary, the available evidence is currently insufficient to determine the role of this variant in disease. Therefore, it has been classified as a Variant of Uncertain Significance.

NM_001386795.1(DTNA):c.947T>C (p.Leu316Ser)

Gene: DTNA (dystrobrevin alpha; plus strand). Cytogenetic location: 18q12.1.
Variant type: single nucleotide variant.
Coding change: c.947T>C on transcript NM_001386795.1 (MANE Select); coding-DNA position 947, T replaced by C.
Protein change: p.Leu316Ser; replaces leucine 316 with serine.
Molecular consequence: missense variant. On other transcripts: 5 prime UTR variant (4), intron variant (1).
Genome position (GRCh38, 1-based): chr18:34,820,861, T>C. VCF-style: chr18-34820861-T-C. GRCh37 (hg19) VCF-style: chr18-32400825-T-C.
Other names: c.947T>C, p.Leu316Ser (NM_001128175.2, NM_001198938.2, NM_001198939.2 and 34 more transcripts); c.-8T>C (NM_001198942.1, NM_001198944.1, NM_032980.4 and 1 more transcripts); c.197T>C, p.Leu66Ser (NM_001198943.1); c.603+8748T>C (NM_001198945.2); short protein forms L316S, L66S.
Identifiers: ClinVar variation 3659420 (VCV003659420.2).